The following is an entry in ClinVar:

ClinVar aggregate classification (germline): Likely benign. Review status: criteria provided, multiple submitters, no conflicts (2 of 4 stars). 2 submissions from 2 submitters: Likely benign (2). Last evaluated 2024-02-18.

Conditions:
Catecholaminergic polymorphic ventricular tachycardia (CVPT). Also called: Catecholamine-induced polymorphic ventricular tachycardia. Identifiers: Orphanet 3286, MedGen C5574922, MONDO:0017990.
Catecholaminergic polymorphic ventricular tachycardia 1. Also called: RYR2-Related Catecholaminergic Polymorphic Ventricular Tachycardia; VENTRICULAR TACHYCARDIA, STRESS-INDUCED POLYMORPHIC 1; VENTRICULAR TACHYCARDIA, CATECHOLAMINERGIC POLYMORPHIC, 1, WITH OR WITHOUT ATRIAL DYSFUNCTION AND/OR DILATED CARDIOMYOPATHY. Identifiers: Orphanet 3286, MedGen C1631597, MONDO:0011484, OMIM 604772.

Allele frequency attached by ClinVar (database versions not stated): gnomAD exomes below 0.00001.
gnomAD v4.1: 1 of 1,602,538 alleles (0.000062%); highest among the groups gnomAD compares: Non-Finnish European, 0.000085%; no homozygotes.

Submissions (2):

Labcorp Genetics (formerly Invitae), Labcorp
Classification: Likely benign for Catecholaminergic polymorphic ventricular tachycardia 1. Last evaluated: 2024-02-18. Review status: criteria provided, single submitter. Criteria: Invitae Variant Classification Sherloc (09022015). Collection method: clinical testing. Allele origin: germline.

All of Us Research Program, National Institutes of Health
Classification: Likely benign for Catecholaminergic polymorphic ventricular tachycardia. Last evaluated: 2023-03-07. Review status: criteria provided, single submitter. Criteria: ACMG Guidelines, 2015. Collection method: clinical testing. Allele origin: germline. Inheritance: Autosomal dominant inheritance. Observed: 1 variant allele, 1 heterozygote.
Comment: This study involves interpretation of variants in research participants for the purpose of population health screening. Participant phenotype was not available at the time of variant classification. Additional details can be found in publication PMID: 35346344, PMCID: PMC8962531

NM_001035.3(RYR2):c.13587A>G (p.Glu4529=)

Gene: RYR2 (ryanodine receptor 2; plus strand). Cytogenetic location: 1q43.
Variant type: single nucleotide variant.
Coding change: c.13587A>G on transcript NM_001035.3 (MANE Select); coding-DNA position 13587, A replaced by G.
Protein change: p.Glu4529=; no amino-acid change (glutamic acid 4529 retained).
Molecular consequence: synonymous variant.
Genome position (GRCh38, 1-based): chr1:237,792,128, A>G. VCF-style: chr1-237792128-A-G. GRCh37 (hg19) VCF-style: chr1-237955428-A-G.
Identifiers: ClinVar variation 3069769 (VCV003069769.3), dbSNP rs1658448444, ClinGen allele CA423827170.